The following is an entry in ClinVar:

ClinVar aggregate classification (germline): Uncertain significance (1 of 4 stars; one submission).

Submission:

GeneDx
Classification: Uncertain significance. Last evaluated: 2023-03-23. Review status: criteria provided, single submitter. Criteria: GeneDx Variant Classification Process June 2021. Collection method: clinical testing. Allele origin: germline. Affected: yes.
Comment: Nonsense variant predicted to result in protein truncation or nonsense mediated decay in a gene for which loss-of function is not a known mechanism of disease; Not observed at significant frequency in large population cohorts (gnomAD); Has not been previously published as pathogenic or benign to our knowledge

NM_005573.4(LMNB1):c.682del (p.Leu227_Val228insTer)

Gene: LMNB1 (lamin B1; plus strand). Cytogenetic location: 5q23.2.
Variant type: Deletion.
Coding change: c.682del on transcript NM_005573.4 (MANE Select); coding-DNA position 682, one base deleted (G; older notation c.682delG).
Protein change: p.Leu227_Val228insTer.
Molecular consequence: nonsense. On other transcripts: non-coding transcript variant (2).
Genome position (GRCh38, 1-based): chr5:126,810,219, G deleted; the last of 2 consecutive G bases (chr5:126,810,218-126,810,219); deleting either gives the same sequence. VCF-style (leftmost placement, unchanged base first): chr5-126810217-TG-T. GRCh37 (hg19) VCF-style: chr5-126145909-TG-T.
Other names: c.52del, p.Leu17_Val18insTer (NM_001198557.2).
Identifiers: ClinVar variation 2580713 (VCV002580713.1), dbSNP rs2479516507, ClinGen allele CA2580618138.